The following is an entry in ClinVar:

NM_001384474.1(LOXHD1):c.3657T>A (p.Asp1219Glu)

Gene: LOXHD1 (lipoxygenase homology PLAT domains 1; minus strand). Cytogenetic location: 18q21.1.
Variant type: single nucleotide variant.
Coding change: c.3657T>A on transcript NM_001384474.1 (MANE Select); coding-DNA position 3657, T replaced by A.
Protein change: p.Asp1219Glu; replaces aspartic acid 1219 with glutamic acid.
Molecular consequence: missense variant.
Genome position (GRCh38, 1-based): chr18:46,542,818, A>T on the plus strand (T>A on the coding strand, the complement: LOXHD1 is on the minus strand). VCF-style: chr18-46542818-A-T. GRCh37 (hg19) VCF-style: chr18-44122781-A-T.
Other names: c.324T>A, p.Asp108Glu (NM_001145472.3); c.36T>A, p.Asp12Glu (NM_001308013.2); c.3657T>A, p.Asp1219Glu (NM_144612.7); short protein forms D1219E, D12E, D108E.
Identifiers: ClinVar variation 47935 (VCV000047935.9), dbSNP rs397517862, ClinGen allele CA142216.

ClinVar aggregate classification (germline): Uncertain significance. Review status: criteria provided, multiple submitters, no conflicts (2 of 4 stars). 4 submissions from 4 submitters: Uncertain significance (3). 1 of the submissions does not count toward it. Last evaluated 2022-07-05.

Conditions:
Autosomal recessive nonsyndromic hearing loss 77. Identifiers: Orphanet 90636, MedGen C2746083, MONDO:0013119, OMIM 613079.

Allele frequency attached by ClinVar (database versions not stated): ExAC below 0.00001; gnomAD 0.00001; TOPMed 0.00002.
gnomAD v4.1: 14 of 1,551,548 alleles (0.0009%); highest among the groups gnomAD compares: South Asian, 0.0059%; no homozygotes.

Submissions (4):

Labcorp Genetics (formerly Invitae), Labcorp
Classification: Uncertain significance. Last evaluated: 2022-07-05. Review status: criteria provided, single submitter. Criteria: Invitae Variant Classification Sherloc (09022015). Collection method: clinical testing. Allele origin: germline.
Comment: This sequence change replaces aspartic acid, which is acidic and polar, with glutamic acid, which is acidic and polar, at codon 1219 of the LOXHD1 protein (p.Asp1219Glu). This variant is present in population databases (rs397517862, gnomAD 0.009%). This variant has not been reported in the literature in individuals affected with LOXHD1-related conditions. ClinVar contains an entry for this variant (Variation ID: 47935). Algorithms developed to predict the effect of missense changes on protein structure and function are either unavailable or do not agree on the potential impact of this missense change (SIFT: "Tolerated"; PolyPhen-2: "Possibly Damaging"; Align-GVGD: "Class C0"). In summary, the available evidence is currently insufficient to determine the role of this variant in disease. Therefore, it has been classified as a Variant of Uncertain Significance.

Eurofins Ntd Llc (ga)
Classification: Uncertain significance. Last evaluated: 2017-02-08. Review status: criteria provided, single submitter. Criteria: EGL Classification Definitions 2015. Collection method: clinical testing. Allele origin: germline. Observed: 1 variant allele, 1 heterozygote.

Laboratory for Molecular Medicine, Mass General Brigham Personalized Medicine
Classification: Uncertain significance. Last evaluated: 2013-02-26. Review status: criteria provided, single submitter. Criteria: LMM Criteria. Collection method: clinical testing. Allele origin: germline. Observed: 2 variant alleles.
Comment: The Asp1219Glu variant in LOXHD1 has not been reported in the literature nor pre viously identified by our laboratory. Computational analyses (biochemical amino acid properties, conservation, AlignGVGD, PolyPhen2, and SIFT) do not provide st rong support for or against an impact to the protein. In summary, the clinical s ignificance of this variant cannot be determined without additional data.

Natera, Inc.
Classification: Uncertain significance for Autosomal recessive deafness type 77. Last evaluated: 2021-02-02. Review status: no assertion criteria provided. Collection method: clinical testing. Allele origin: germline. Not counted in ClinVar's aggregate classification.